The following is an entry in ClinVar:

NM_020631.6(PLEKHG5):c.1336A>G (p.Met446Val)

Gene: PLEKHG5 (pleckstrin homology and RhoGEF domain containing G5; minus strand). Cytogenetic location: 1p36.31.
Variant type: single nucleotide variant.
Coding change: c.1336A>G on transcript NM_020631.6 (MANE Select); coding-DNA position 1336, A replaced by G.
Protein change: p.Met446Val; replaces methionine 446 with valine.
Molecular consequence: missense variant.
Genome position (GRCh38, 1-based): chr1:6,471,046, T>C on the plus strand (A>G on the coding strand, the complement: PLEKHG5 is on the minus strand). VCF-style: chr1-6471046-T-C. GRCh37 (hg19) VCF-style: chr1-6531106-T-C.
Other names: c.1447A>G, p.Met483Val (NM_001265592.2, NM_001042663.3); c.1336A>G, p.Met446Val (NM_001265594.3, NM_001042664.2, NM_001042665.2 and 1 more transcripts); c.1543A>G, p.Met515Val (NM_001265593.2); short protein forms M446V, M483V, M515V.
Identifiers: ClinVar variation 1713379 (VCV001713379.6), dbSNP rs1303295078, ClinGen allele CA338127854.

ClinVar aggregate classification (germline): Uncertain significance (1 of 4 stars; one submission).

Conditions:
Charcot-Marie-Tooth disease recessive intermediate C. Also called: CHARCOT-MARIE-TOOTH NEUROPATHY, RECESSIVE INTERMEDIATE C. Identifiers: Orphanet 369867, MedGen C3809309, MONDO:0014154, OMIM 615376.
Neuronopathy, distal hereditary motor, autosomal recessive 4. Also called: NEUROPATHY, DISTAL HEREDITARY MOTOR, AUTOSOMAL RECESSIVE 4; Autosomal recessive lower motor neuron disease with childhood onset. Identifiers: Orphanet 206580, MedGen C1970211, MONDO:0012608, OMIM 611067.

Allele frequency attached by ClinVar (database versions not stated): gnomAD exomes below 0.00001; TOPMed below 0.00001.
gnomAD v4.1: 4 of 1,605,418 alleles (0.00025%); highest among the groups gnomAD compares: Non-Finnish European, 0.00034%; no homozygotes.

Submission:

Labcorp Genetics (formerly Invitae), Labcorp
Classification: Uncertain significance for Neuronopathy, distal hereditary motor, autosomal recessive 4; Charcot-Marie-Tooth disease recessive intermediate C. Last evaluated: 2022-07-22. Review status: criteria provided, single submitter. Criteria: Invitae Variant Classification Sherloc (09022015). Collection method: clinical testing. Allele origin: germline.
Comment: In summary, the available evidence is currently insufficient to determine the role of this variant in disease. Therefore, it has been classified as a Variant of Uncertain Significance. Algorithms developed to predict the effect of missense changes on protein structure and function (SIFT, PolyPhen-2, Align-GVGD) all suggest that this variant is likely to be tolerated. This variant has not been reported in the literature in individuals affected with PLEKHG5-related conditions. This variant is present in population databases (no rsID available, gnomAD 0.002%). This sequence change replaces methionine, which is neutral and non-polar, with valine, which is neutral and non-polar, at codon 446 of the PLEKHG5 protein (p.Met446Val).